The following is an entry in ClinVar:

ClinVar aggregate classification (germline): Uncertain significance. Review status: criteria provided, multiple submitters, no conflicts (2 of 4 stars). 2 submissions from 2 submitters: Uncertain significance (2). Last evaluated 2025-04-21.

Allele frequency attached by ClinVar (database versions not stated): TOPMed 0.00001.

Submissions (2):

Labcorp Genetics (formerly Invitae), Labcorp
Classification: Uncertain significance. Last evaluated: 2025-04-21. Review status: criteria provided, single submitter. Criteria: Invitae Variant Classification Sherloc (09022015). Collection method: clinical testing. Allele origin: germline.
Comment: This sequence change replaces valine, which is neutral and non-polar, with leucine, which is neutral and non-polar, at codon 140 of the FGF12 protein (p.Val140Leu). This variant is not present in population databases (gnomAD no frequency). This variant has not been reported in the literature in individuals affected with FGF12-related conditions. ClinVar contains an entry for this variant (Variation ID: 2576134). Invitae Evidence Modeling of protein sequence and biophysical properties (such as structural, functional, and spatial information, amino acid conservation, physicochemical variation, residue mobility, and thermodynamic stability) indicates that this missense variant is not expected to disrupt FGF12 protein function with a negative predictive value of 80%. In summary, the available evidence is currently insufficient to determine the role of this variant in disease. Therefore, it has been classified as a Variant of Uncertain Significance.

Institute for Clinical Genetics, University Hospital TU Dresden, University Hospital TU Dresden
Classification: Uncertain significance. Last evaluated: 2023-05-09. Review status: criteria provided, single submitter. Criteria: ACMG Guidelines, 2015. Collection method: clinical testing. Allele origin: maternal.
Comment: PM2_SUP

NM_004113.6(FGF12):c.232G>C (p.Val78Leu)

Gene: FGF12 (fibroblast growth factor 12; minus strand). Cytogenetic location: 3q28.
Variant type: single nucleotide variant.
Coding change: c.232G>C on transcript NM_004113.6 (MANE Select); coding-DNA position 232, G replaced by C.
Protein change: p.Val78Leu; replaces valine 78 with leucine.
Molecular consequence: missense variant.
Genome position (GRCh38, 1-based): chr3:192,170,653, C>G on the plus strand (G>C on the coding strand, the complement: FGF12 is on the minus strand). VCF-style: chr3-192170653-C-G. GRCh37 (hg19) VCF-style: chr3-191888442-C-G.
Other names: c.121G>C, p.Val41Leu (NM_001377292.1); c.160G>C, p.Val54Leu (NM_001377293.1, NM_001377294.1); c.418G>C, p.Val140Leu (NM_021032.5); short protein forms V140L, V41L, V54L, V78L.
Identifiers: ClinVar variation 2576134 (VCV002576134.2), dbSNP rs1291475870, ClinGen allele CA355866272.